The following is an entry in ClinVar:

ClinVar aggregate classification (germline): Uncertain significance (1 of 4 stars; one submission).

Conditions:
Hereditary cancer-predisposing syndrome. Also called: Tumor predisposition; Neoplastic Syndromes, Hereditary; Hereditary neoplastic syndrome; Hereditary Cancer Syndrome. Identifiers: Orphanet 140162, MedGen C0027672, MeSH D009386, MONDO:0015356.

gnomAD v4.1: 1 of 1,613,962 alleles (0.000062%); highest among the groups gnomAD compares: Non-Finnish European, 0.000085%; no homozygotes.

Submission:

Ambry Genetics
Classification: Uncertain significance for Hereditary cancer-predisposing syndrome. Last evaluated: 2025-09-01. Review status: criteria provided, single submitter. Criteria: Ambry Variant Classification Scheme 2023. Collection method: clinical testing. Allele origin: germline.
Comment: The p.F571Y variant (also known as c.1712T>A), located in coding exon 12 of the MSH3 gene, results from a T to A substitution at nucleotide position 1712. The phenylalanine at codon 571 is replaced by tyrosine, an amino acid with highly similar properties. This amino acid position is conserved. In addition, the in silico prediction for this alteration is inconclusive. Based on the available evidence, the clinical significance of this variant remains unclear.

NM_002439.5(MSH3):c.1712T>A (p.Phe571Tyr)

Gene: MSH3 (mutS homolog 3; plus strand). Cytogenetic location: 5q14.1.
Variant type: single nucleotide variant.
Coding change: c.1712T>A on transcript NM_002439.5 (MANE Select); coding-DNA position 1712, T replaced by A.
Protein change: p.Phe571Tyr; replaces phenylalanine 571 with tyrosine.
Molecular consequence: missense variant.
Genome position (GRCh38, 1-based): chr5:80,744,564, T>A. VCF-style: chr5-80744564-T-A. GRCh37 (hg19) VCF-style: chr5-80040383-T-A.
Other names: short protein forms F571Y.
Identifiers: ClinVar variation 4111122 (VCV004111122.1).
Genomic context (GRCh38, chr5:80,744,564, plus strand): 5'-AGACTGATATGAAAACCAAAGGAAGTTTGCTGTGGGTTTTAGACCACACTAAAACTTCAT[T>A]TGGGAGACGGAAGTTAAAGAAGTGGGTGACCCAGCCACTCCTTAAATTAAGGTAAAAGGA-3'
Protein context (NP_002430.3, residues 561-581): LWVLDHTKTS[Phe571Tyr]GRRKLKKWVT